The following is an entry in ClinVar:

ClinVar aggregate classification (germline): Uncertain significance. Review status: criteria provided, single submitter (1 of 4 stars). 2 submissions from 2 submitters: Uncertain significance (1). 1 of the submissions does not count toward it. Last evaluated 2025-08-06.

Conditions:
MAGEL2-related disorder. Also called: MAGEL2-related condition.
Inborn genetic diseases. Identifiers: MedGen C0950123, MeSH D030342.

gnomAD v4.1: 59 of 1,484,500 alleles (0.004%); highest among the groups gnomAD compares: Non-Finnish European, 0.0052%; no homozygotes.

Submissions (2):

Ambry Genetics
Classification: Uncertain significance for Inborn genetic diseases. Last evaluated: 2025-08-06. Review status: criteria provided, single submitter. Criteria: Ambry Variant Classification Scheme 2023. Collection method: clinical testing. Allele origin: germline.

PreventionGenetics, part of Exact Sciences
Classification: Uncertain significance for MAGEL2-related condition. Last evaluated: 2024-03-14. Review status: no assertion criteria provided. Collection method: clinical testing. Allele origin: germline. Not counted in ClinVar's aggregate classification.
Comment: The MAGEL2 c.40C>T variant is predicted to result in the amino acid substitution p.Pro14Ser. To our knowledge, this variant has not been reported in the literature. This variant is reported in 0.0044% of alleles in individuals of European (Non-Finnish) descent in gnomAD. At this time, the clinical significance of this variant is uncertain due to the absence of conclusive functional and genetic evidence.

NM_019066.5(MAGEL2):c.40C>T (p.Pro14Ser)

Gene: MAGEL2 (MAGE family member L2; minus strand). Cytogenetic location: 15q11.2.
Variant type: single nucleotide variant.
Coding change: c.40C>T on transcript NM_019066.5 (MANE Select); coding-DNA position 40, C replaced by T.
Protein change: p.Pro14Ser; replaces proline 14 with serine.
Molecular consequence: missense variant.
Genome position (GRCh38, 1-based): chr15:23,647,703, G>A on the plus strand (C>T on the coding strand, the complement: MAGEL2 is on the minus strand). VCF-style: chr15-23647703-G-A. GRCh37 (hg19) VCF-style: chr15-23892850-G-A.
Other names: short protein forms P14S.
Identifiers: ClinVar variation 2520734 (VCV002520734.4), dbSNP rs564302786, ClinGen allele CA267661995.
Genomic context (GRCh38, chr15:23,647,703, plus strand): 5'-GCGGGGCCCGCATCAGAACCGTAGGGCGGCTATAGACAGGCGGCTTCGGGGCCTCCGCCG[G>A]AGGACTCGAGTCACCCAGATTCTTACTTAGCTGCGACATGTCCCTTTGCTGACAGCTGGT-3'
Protein context (NP_061939.3, residues 4-24): LSKNLGDSSP[Pro14Ser]AEAPKPPVYS